The following is an entry in ClinVar:

NM_001256789.3(CACNA1F):c.1618C>T (p.His540Tyr)

Gene: CACNA1F (calcium voltage-gated channel subunit alpha1 F; minus strand). Cytogenetic location: Xp11.23.
Variant type: single nucleotide variant.
Coding change: c.1618C>T on transcript NM_001256789.3 (MANE Select); coding-DNA position 1618, C replaced by T.
Protein change: p.His540Tyr; replaces histidine 540 with tyrosine.
Molecular consequence: missense variant.
Genome position (GRCh38, 1-based): chrX:49,225,942, G>A on the plus strand (C>T on the coding strand, the complement: CACNA1F is on the minus strand). VCF-style: chrX-49225942-G-A. GRCh37 (hg19) VCF-style: chrX-49082404-G-A.
Other names: c.1456C>T, p.His486Tyr (NM_001256790.3); c.1651C>T, p.His551Tyr (NM_005183.4); short protein forms H551Y, H540Y, H486Y.
Identifiers: ClinVar variation 939752 (VCV000939752.9), dbSNP rs2065818308, ClinGen allele CA412916187.

ClinVar aggregate classification (germline): Uncertain significance (1 of 4 stars; one submission).

Allele frequency attached by ClinVar (database versions not stated): gnomAD exomes below 0.00001.
gnomAD v4.1: 1 of 1,169,114 alleles (0.000086%); highest among the groups gnomAD compares: Non-Finnish European, 0.00011%; no homozygotes.

Submission:

Labcorp Genetics (formerly Invitae), Labcorp
Classification: Uncertain significance. Last evaluated: 2022-11-22. Review status: criteria provided, single submitter. Criteria: Invitae Variant Classification Sherloc (09022015). Collection method: clinical testing. Allele origin: germline.
Comment: In summary, the available evidence is currently insufficient to determine the role of this variant in disease. Therefore, it has been classified as a Variant of Uncertain Significance. Advanced modeling of protein sequence and biophysical properties (such as structural, functional, and spatial information, amino acid conservation, physicochemical variation, residue mobility, and thermodynamic stability) performed at Invitae indicates that this missense variant is not expected to disrupt CACNA1F protein function. ClinVar contains an entry for this variant (Variation ID: 939752). This variant has not been reported in the literature in individuals affected with CACNA1F-related conditions. This variant is not present in population databases (gnomAD no frequency). This sequence change replaces histidine, which is basic and polar, with tyrosine, which is neutral and polar, at codon 551 of the CACNA1F protein (p.His551Tyr).